The following is an entry in ClinVar:

ClinVar aggregate classification (germline): Benign. Review status: criteria provided, multiple submitters, no conflicts (2 of 4 stars). 4 submissions from 4 submitters: Benign (2). 2 of the submissions do not count toward it. Last evaluated 2025-09-02.

Allele frequency attached by ClinVar (database versions not stated): ESP Exome Variant Server 0.00046; gnomAD 0.00048 and 0.00082; TOPMed 0.00070; gnomAD exomes 0.00193; ExAC 0.00204; 1000 Genomes Project 30x 0.00312; 1000 Genomes Project 0.00339.

Submissions (4):

Labcorp Genetics (formerly Invitae), Labcorp
Classification: Benign. Last evaluated: 2025-09-02. Review status: criteria provided, single submitter. Criteria: Invitae Variant Classification Sherloc (09022015). Collection method: clinical testing. Allele origin: germline.

CeGaT Center for Human Genetics Tuebingen
Classification: Benign. Last evaluated: 2025-07-01. Review status: criteria provided, single submitter. Criteria: CeGaT Center For Human Genetics Tuebingen Variant Classification Criteria Version 2. Collection method: clinical testing. Allele origin: germline. Affected: yes. Observed: 2 variant alleles.
Comment: APOL1: BP4, BS1, BS2

Clinical Genetics DNA and cytogenetics Diagnostics Lab, Erasmus MC, Erasmus Medical Center
Classification: Benign. Review status: no assertion criteria provided. Collection method: clinical testing. Allele origin: germline. Affected: yes. Study: VKGL Data-share Consensus. Not counted in ClinVar's aggregate classification.

Genome Diagnostics Laboratory, University Medical Center Utrecht
Classification: Benign. Review status: no assertion criteria provided. Collection method: clinical testing. Allele origin: germline. Affected: yes. Study: VKGL Data-share Consensus. Not counted in ClinVar's aggregate classification.

NM_003661.4(APOL1):c.472C>T (p.Leu158Phe)

Gene: APOL1 (apolipoprotein L1; plus strand). Cytogenetic location: 22q12.3.
Variant type: single nucleotide variant.
Coding change: c.472C>T on transcript NM_003661.4 (MANE Select); coding-DNA position 472, C replaced by T.
Protein change: p.Leu158Phe; replaces leucine 158 with phenylalanine.
Molecular consequence: missense variant.
Genome position (GRCh38, 1-based): chr22:36,265,308, C>T. VCF-style: chr22-36265308-C-T. GRCh37 (hg19) VCF-style: chr22-36661354-C-T.
Other names: c.472C>T, p.Leu158Phe (NM_001136540.2); c.418C>T, p.Leu140Phe (NM_001136541.2, NM_001362927.2); c.520C>T, p.Leu174Phe (NM_145343.3); short protein forms L158F, L174F, L140F.
Identifiers: ClinVar variation 729570 (VCV000729570.21), dbSNP rs148296684, ClinGen allele CA10208684.
Genomic context (GRCh38, chr22:36,265,308, plus strand): 5'-AACTGGTTTCTGAAAGAGTTTCCTCGGTTGAAAAGTGAGCTTGAGGATAACATAAGAAGG[C>T]TCCGTGCCCTTGCAGATGGGGTTCAGAAGGTCCACAAAGGCACCACCATCGCCAATGTGG-3'
Protein context (NP_003652.2, residues 148-168): KSELEDNIRR[Leu158Phe]RALADGVQKV